The following is an entry in ClinVar:

NM_019066.5(MAGEL2):c.804G>C (p.Met268Ile)

Gene: MAGEL2 (MAGE family member L2; minus strand). Cytogenetic location: 15q11.2.
Variant type: single nucleotide variant.
Coding change: c.804G>C on transcript NM_019066.5 (MANE Select); coding-DNA position 804, G replaced by C.
Protein change: p.Met268Ile; replaces methionine 268 with isoleucine.
Molecular consequence: missense variant.
Genome position (GRCh38, 1-based): chr15:23,646,939, C>G on the plus strand (G>C on the coding strand, the complement: MAGEL2 is on the minus strand). VCF-style: chr15-23646939-C-G. GRCh37 (hg19) VCF-style: chr15-23892086-C-G.
Other names: short protein forms M268I.
Identifiers: ClinVar variation 1712920 (VCV001712920.2), dbSNP rs2503983103, ClinGen allele CA391335792.

ClinVar aggregate classification (germline): Uncertain significance (1 of 4 stars; one submission).

Allele frequency attached by ClinVar (database versions not stated): gnomAD exomes below 0.00001.
gnomAD v4.1: 1 of 1,537,050 alleles (0.000065%); highest among the groups gnomAD compares: Non-Finnish European, 0.000087%; no homozygotes.

Submission:

GeneDx
Classification: Uncertain significance. Last evaluated: 2022-04-27. Review status: criteria provided, single submitter. Criteria: GeneDx Variant Classification Process June 2021. Collection method: clinical testing. Allele origin: germline. Affected: yes.
Comment: Not observed at significant frequency in large population cohorts (gnomAD); In silico analysis supports that this missense variant does not alter protein structure/function; Has not been previously published as pathogenic or benign to our knowledge